The following is an entry in ClinVar:

ClinVar aggregate classification (germline): Likely benign. Review status: criteria provided, multiple submitters, no conflicts (2 of 4 stars). 4 submissions from 4 submitters: Likely benign (4). Last evaluated 2026-08-01.

Conditions:
Inborn genetic diseases. Identifiers: MedGen C0950123, MeSH D030342.

Allele frequency attached by ClinVar (database versions not stated): gnomAD exomes 0.00002 and 0.00006; ExAC 0.00003; TOPMed 0.00013; gnomAD 0.00016 and 0.00017; 1000 Genomes Project 30x 0.00047; 1000 Genomes Project 0.00060.
gnomAD v4.1: 52 of 1,614,024 alleles (0.0032%); highest among the groups gnomAD compares: Admixed American, 0.085%; no homozygotes.

Submissions (4):

CeGaT Center for Human Genetics Tuebingen
Classification: Likely benign. Last evaluated: 2026-08-01. Review status: criteria provided, single submitter. Criteria: CeGaT Center For Human Genetics Tuebingen Variant Classification Criteria Version 2. Collection method: clinical testing. Allele origin: germline. Affected: yes. Observed: 3 variant alleles.
Comment: SCN3A: BS1

Labcorp Genetics (formerly Invitae), Labcorp
Classification: Likely benign. Last evaluated: 2026-01-12. Review status: criteria provided, single submitter. Criteria: Invitae Variant Classification Sherloc (09022015). Collection method: clinical testing. Allele origin: germline.

Ambry Genetics
Classification: Likely benign for Inborn genetic diseases. Last evaluated: 2025-08-21. Review status: criteria provided, single submitter. Criteria: Ambry Variant Classification Scheme 2023. Collection method: clinical testing. Allele origin: germline.

Breakthrough Genomics
Classification: Likely benign. Review status: criteria provided, single submitter. Criteria: ACMG Guidelines, 2015. Collection method: not provided. Allele origin: germline. Inheritance: Autosomal dominant inheritance. Affected: yes.

NM_006922.4(SCN3A):c.1528G>A (p.Glu510Lys)

Gene: SCN3A (sodium voltage-gated channel alpha subunit 3; minus strand). Cytogenetic location: 2q24.3.
Variant type: single nucleotide variant.
Coding change: c.1528G>A on transcript NM_006922.4 (MANE Select); coding-DNA position 1528, G replaced by A.
Protein change: p.Glu510Lys; replaces glutamic acid 510 with lysine.
Molecular consequence: missense variant.
Genome position (GRCh38, 1-based): chr2:165,146,882, C>T on the plus strand (G>A on the coding strand, the complement: SCN3A is on the minus strand). VCF-style: chr2-165146882-C-T. GRCh37 (hg19) VCF-style: chr2-166003392-C-T.
Other names: c.1528G>A, p.Glu510Lys (NM_001081676.2, NM_001081677.2); short protein forms E510K.
Identifiers: ClinVar variation 848976 (VCV000848976.15), dbSNP rs200940443, ClinGen allele CA1939140.